The following is an entry in ClinVar:

NM_003924.4(PHOX2B):c.722C>A (p.Ala241Glu)

Gene: PHOX2B (paired like homeobox 2B; minus strand). Cytogenetic location: 4p13.
Variant type: single nucleotide variant.
Coding change: c.722C>A on transcript NM_003924.4 (MANE Select); coding-DNA position 722, C replaced by A.
Protein change: p.Ala241Glu; replaces alanine 241 with glutamic acid.
Molecular consequence: missense variant.
Genome position (GRCh38, 1-based): chr4:41,746,030, G>T on the plus strand (C>A on the coding strand, the complement: PHOX2B is on the minus strand). VCF-style: chr4-41746030-G-T. GRCh37 (hg19) VCF-style: chr4-41748047-G-T.
Other names: short protein forms A241E.
Identifiers: ClinVar variation 3417925 (VCV003417925.1).
Genomic context (GRCh38, chr4:41,746,030, plus strand): 5'-CCAGCTGCCGCCGCTGCCGCTGCCGCCGCCGCCGCTGCCGCGGCCGCCGCCGCTGCTGCT[G>T]CGCCGCCCTTGCCGGGTTCGCCTCCCGGGCCCCCGGGCCCCGCCGCCCCCGGAGCTCCAG-3'
Protein context (NP_003915.2, residues 231-251): GPGGEPGKGG[Ala241Glu]AAAAAAAAAA

ClinVar aggregate classification (germline): Uncertain significance (1 of 4 stars; one submission).

Conditions:
Hereditary cancer-predisposing syndrome. Also called: Neoplastic Syndromes, Hereditary; Tumor predisposition; Hereditary Cancer Syndrome; Hereditary neoplastic syndrome. Identifiers: Orphanet 140162, MedGen C0027672, MeSH D009386, MONDO:0015356.

Submission:

Ambry Genetics
Classification: Uncertain significance for Hereditary cancer-predisposing syndrome. Last evaluated: 2024-09-15. Review status: criteria provided, single submitter. Criteria: Ambry Variant Classification Scheme 2023. Collection method: clinical testing. Allele origin: germline.
Comment: The p.A241E variant (also known as c.722C>A), located in coding exon 3 of the PHOX2B gene, results from a C to A substitution at nucleotide position 722. The alanine at codon 241 is replaced by glutamic acid, an amino acid with dissimilar properties. This amino acid position is conserved. In addition, the in silico prediction for this alteration is inconclusive. Based on the available evidence, the clinical significance of this variant remains unclear.